The following is an entry in ClinVar:

NM_006231.4(POLE):c.5792C>T (p.Ser1931Phe)

Gene: POLE (DNA polymerase epsilon, catalytic subunit; minus strand). Cytogenetic location: 12q24.33.
Variant type: single nucleotide variant.
Coding change: c.5792C>T on transcript NM_006231.4 (MANE Select); coding-DNA position 5792, C replaced by T.
Protein change: p.Ser1931Phe; replaces serine 1931 with phenylalanine.
Molecular consequence: missense variant.
Genome position (GRCh38, 1-based): chr12:132,635,911, G>A on the plus strand (C>T on the coding strand, the complement: POLE is on the minus strand). VCF-style: chr12-132635911-G-A. GRCh37 (hg19) VCF-style: chr12-133212497-G-A.
Other names: short protein forms S1931F.
Identifiers: ClinVar variation 246386 (VCV000246386.13), dbSNP rs879254232, ClinGen allele CA10584406.

ClinVar aggregate classification (germline): Conflicting classifications of pathogenicity. Review status: criteria provided, conflicting classifications (1 of 4 stars). 3 submissions from 3 submitters: Uncertain significance (2); Likely benign (1). Last evaluated 2025-10-23.

Conditions:
Hereditary cancer-predisposing syndrome. Also called: Hereditary neoplastic syndrome; Neoplastic Syndromes, Hereditary; Tumor predisposition; Hereditary Cancer Syndrome. Identifiers: Orphanet 140162, MedGen C0027672, MeSH D009386, MONDO:0015356.

Allele frequency attached by ClinVar (database versions not stated): gnomAD exomes below 0.00001; TOPMed 0.00001.

Submissions (3):

Labcorp Genetics (formerly Invitae), Labcorp
Classification: Uncertain significance. Last evaluated: 2025-10-23. Review status: criteria provided, single submitter. Criteria: Invitae Variant Classification Sherloc (09022015). Collection method: clinical testing. Allele origin: germline.
Comment: This sequence change replaces serine, which is neutral and polar, with phenylalanine, which is neutral and non-polar, at codon 1931 of the POLE protein (p.Ser1931Phe). This variant is not present in population databases (gnomAD no frequency). This variant has not been reported in the literature in individuals affected with POLE-related conditions. ClinVar contains an entry for this variant (Variation ID: 246386). Invitae Evidence Modeling of protein sequence and biophysical properties (such as structural, functional, and spatial information, amino acid conservation, physicochemical variation, residue mobility, and thermodynamic stability) indicates that this missense variant is not expected to disrupt POLE protein function with a negative predictive value of 80%. In summary, the available evidence is currently insufficient to determine the role of this variant in disease. Therefore, it has been classified as a Variant of Uncertain Significance.

Ambry Genetics
Classification: Likely benign for Hereditary cancer-predisposing syndrome. Last evaluated: 2025-04-03. Review status: criteria provided, single submitter. Criteria: Ambry Variant Classification Scheme 2023. Collection method: clinical testing. Allele origin: germline.

GeneDx
Classification: Uncertain significance. Last evaluated: 2016-02-05. Review status: criteria provided, single submitter. Criteria: GeneDx Variant Classification (06012015). Collection method: clinical testing. Allele origin: germline. Affected: yes.
Comment: This variant is denoted POLE c.5792C>T at the cDNA level, p.Ser1931Phe (S1931F) at the protein level, and results in the change of a Serine to a Phenylalanine (TCT>TTT). This variant has not, to our knowledge, been published in the literature as pathogenic or benign. POLE Ser1931Phe was not observed in approximately 6,500 individuals of European and African American ancestry in the NHLBI Exome Sequencing Project, suggesting it is not a common benign variant in these populations. Since Serine and Phenylalanine differ in polarity, charge, size or other properties, this is considered a non-conservative amino acid substitution. POLE Ser1931Phe occurs at a position that is not conserved and is not located in a known functional domain (Tahirov 2009, Preston 2010). In silico analyses are inconsistent regarding the effect this variant may have on protein structure and function. Based on currently available evidence, it is unclear whether POLE Ser1931Phe is a pathogenic or benign variant. We consider it to be a variant of uncertain significance.